The following is an entry in ClinVar:

NM_005559.4(LAMA1):c.2235C>T (p.His745=)

Gene: LAMA1 (laminin subunit alpha 1; minus strand). Cytogenetic location: 18p11.31.
Variant type: single nucleotide variant.
Coding change: c.2235C>T on transcript NM_005559.4 (MANE Select); coding-DNA position 2235, C replaced by T.
Protein change: p.His745=; no amino-acid change (histidine 745 retained).
Molecular consequence: synonymous variant.
Genome position (GRCh38, 1-based): chr18:7,032,105, G>A on the plus strand (C>T on the coding strand, the complement: LAMA1 is on the minus strand). VCF-style: chr18-7032105-G-A. GRCh37 (hg19) VCF-style: chr18-7032104-G-A.
Other names: c.2235C>T (NM_005559.3).
Identifiers: ClinVar variation 2190925 (VCV002190925.6), dbSNP rs143145158, ClinGen allele CA8882719.

ClinVar aggregate classification (germline): Likely benign. Review status: criteria provided, multiple submitters, no conflicts (2 of 4 stars). 3 submissions from 3 submitters: Likely benign (3). Last evaluated 2026-09-23.

Conditions:
LAMA1-related disorder. Also called: LAMA1-related disorders; LAMA1-related condition.

Allele frequency attached by ClinVar (database versions not stated): ExAC 0.00002; gnomAD exomes 0.00003; ESP Exome Variant Server 0.00008; TOPMed 0.00015; gnomAD 0.00016.

Submissions (3):

PreventionGenetics, part of Exact Sciences
Classification: Likely benign for LAMA1-related condition. Last evaluated: 2026-09-23. Review status: criteria provided, single submitter. Criteria: ACMG Guidelines, 2015. Collection method: clinical testing. Allele origin: germline.
Comment: This variant is classified as likely benign based on ACMG/AMP sequence variant interpretation guidelines (Richards et al. 2015 PMID: 25741868, with internal and published modifications).

Labcorp Genetics (formerly Invitae), Labcorp
Classification: Likely benign. Last evaluated: 2025-12-21. Review status: criteria provided, single submitter. Criteria: Invitae Variant Classification Sherloc (09022015). Collection method: clinical testing. Allele origin: germline.

Blueprint Genetics
Classification: Likely benign. Last evaluated: 2024-01-03. Review status: criteria provided, single submitter. Criteria: ACMG Guidelines, 2015. Collection method: clinical testing. Allele origin: germline.